The following is an entry in ClinVar:

ClinVar aggregate classification (germline): Uncertain significance. Review status: criteria provided, single submitter (1 of 4 stars). 2 submissions from 2 submitters: Uncertain significance (1). 1 of the submissions does not count toward it. Last evaluated 2022-07-12.

Conditions:
Usher syndrome type 2A. Also called: USHER SYNDROME, TYPE IIA; RETINAL DISEASE IN USHER SYNDROME TYPE IIA, MODIFIER OF. Identifiers: Orphanet 231178, Orphanet 886, MedGen C1848634, MONDO:0010169, OMIM 276901.

gnomAD v4.1: 1 of 1,613,708 alleles (0.000062%); highest among the groups gnomAD compares: Non-Finnish European, 0.000085%; no homozygotes.

Submissions (2):

Labcorp Genetics (formerly Invitae), Labcorp
Classification: Uncertain significance. Last evaluated: 2022-07-12. Review status: criteria provided, single submitter. Criteria: Invitae Variant Classification Sherloc (09022015). Collection method: clinical testing. Allele origin: germline.
Comment: In summary, the available evidence is currently insufficient to determine the role of this variant in disease. Therefore, it has been classified as a Variant of Uncertain Significance. Algorithms developed to predict the effect of missense changes on protein structure and function output the following: SIFT: "Tolerated"; PolyPhen-2: "Benign"; Align-GVGD: "Class C0". The phenylalanine amino acid residue is found in multiple mammalian species, which suggests that this missense change does not adversely affect protein function. ClinVar contains an entry for this variant (Variation ID: 1350126). This variant has not been reported in the literature in individuals affected with USH2A-related conditions. This variant is not present in population databases (gnomAD no frequency). This sequence change replaces leucine, which is neutral and non-polar, with phenylalanine, which is neutral and non-polar, at codon 20 of the USH2A protein (p.Leu20Phe).

Natera, Inc.
Classification: Uncertain significance for Usher syndrome type 2A. Last evaluated: 2025-04-28. Review status: no assertion criteria provided. Collection method: clinical testing. Allele origin: germline. Not counted in ClinVar's aggregate classification.

NM_206933.4(USH2A):c.60G>C (p.Leu20Phe)

Gene: USH2A (usherin; minus strand). Cytogenetic location: 1q41.
Variant type: single nucleotide variant.
Coding change: c.60G>C on transcript NM_206933.4 (MANE Select); coding-DNA position 60, G replaced by C.
Protein change: p.Leu20Phe; replaces leucine 20 with phenylalanine.
Molecular consequence: missense variant.
Genome position (GRCh38, 1-based): chr1:216,422,277, C>G on the plus strand (G>C on the coding strand, the complement: USH2A is on the minus strand). VCF-style: chr1-216422277-C-G. GRCh37 (hg19) VCF-style: chr1-216595619-C-G.
Other names: c.60G>C (NM_206933.2); c.60G>C, p.Leu20Phe (NM_007123.6); short protein forms L20F.
Identifiers: ClinVar variation 1350126 (VCV001350126.7), dbSNP rs767611127, ClinGen allele CA344905104.